The following is an entry in ClinVar:

ClinVar aggregate classification (germline): Uncertain significance (1 of 4 stars; one submission).

Submission:

Women's Health and Genetics/Laboratory Corporation of America, LabCorp
Classification: Uncertain significance. Last evaluated: 2026-01-15. Review status: criteria provided, single submitter. Criteria: LabCorp Variant Classification Summary - May 2015. Collection method: clinical testing. Allele origin: germline.
Comment: Variant summary: COL7A1 c.8020G>A (p.Gly2674Ser) results in a non-conservative amino acid change located in the encoded protein sequence.This variant disrupts the triple helix domain of COL7A1. Glycine residues within the Gly-Xaa-Yaa repeats of the triple helix domain are required for the structure and stability of fibrillar collagens (PMID: 7695699, 8218237, 19344236). Algorithms developed to predict the effect of missense changes on protein structure and function all suggest that this variant is likely to be disruptive. The variant was absent in 250972 control chromosomes. The available data on variant occurrences in the general population are insufficient to allow any conclusion about variant significance. To our knowledge, no occurrence of c.8020G>A in individuals affected with COL7A1-related conditions and no experimental evidence demonstrating its impact on protein function have been reported. No submitters have cited clinical-significance assessments for this variant to ClinVar. Based on the evidence outlined above, the variant was classified as uncertain significance.

NM_000094.4(COL7A1):c.8020G>A (p.Gly2674Ser)

Gene: COL7A1 (collagen type VII alpha 1 chain; minus strand). Cytogenetic location: 3p21.31.
Variant type: single nucleotide variant.
Coding change: c.8020G>A on transcript NM_000094.4 (MANE Select); coding-DNA position 8020, G replaced by A.
Protein change: p.Gly2674Ser; replaces glycine 2674 with serine.
Molecular consequence: missense variant.
Genome position (GRCh38, 1-based): chr3:48,567,600, C>T on the plus strand (G>A on the coding strand, the complement: COL7A1 is on the minus strand). VCF-style: chr3-48567600-C-T. GRCh37 (hg19) VCF-style: chr3-48605033-C-T.
Other names: short protein forms G2674S.
Identifiers: ClinVar variation 4689358 (VCV004689358.1).
Genomic context (GRCh38, chr3:48,567,600, plus strand): 5'-TCCCTGTCATGTCCACTGTCCACAGACCCTGTACCTTGGGACCGATCAGGCCCTCCTTGC[C>T]AGGGGCCCCCGACTGGCCCGGCACACCAGGCTCCCCCTGGAGAAAAAAAGACATGAACTT-3'
Protein context (NP_000085.1, residues 2664-2684): PGVPGQSGAP[Gly2674Ser]KEGLIGPKGD